The following is an entry in ClinVar:

NM_002294.3(LAMP2):c.64+1G>C

Gene: LAMP2 (lysosome associated membrane protein 2; minus strand). Cytogenetic location: Xq24.
Variant type: single nucleotide variant.
Coding change: c.64+1G>C on transcript NM_002294.3 (MANE Select); the canonical splice donor site of the intron after coding-DNA position 64, G replaced by C.
Molecular consequence: splice donor variant.
Genome position (GRCh38, 1-based): chrX:120,469,105, C>G on the plus strand (G>C on the coding strand, the complement: LAMP2 is on the minus strand). VCF-style: chrX-120469105-C-G. GRCh37 (hg19) VCF-style: chrX-119602960-C-G.
Other names: c.64+1G>C (NM_001122606.1, NM_013995.2).
Identifiers: ClinVar variation 845902 (VCV000845902.10), dbSNP rs957313991, ClinGen allele CA414397804.

ClinVar aggregate classification (germline): Pathogenic (1 of 4 stars; one submission).

Conditions:
Danon disease. Also called: PSEUDOGLYCOGENOSIS II; GSD IIb; LYSOSOMAL GLYCOGEN STORAGE DISEASE WITHOUT ACID MALTASE DEFICIENCY; ANTOPOL DISEASE; Glycogen Storage Disease Type IIb. Identifiers: Orphanet 34587, MedGen C0878677, MONDO:0010281, OMIM 300257.

Submission:

Labcorp Genetics (formerly Invitae), Labcorp
Classification: Pathogenic for Danon disease. Last evaluated: 2019-02-12. Review status: criteria provided, single submitter. Criteria: Invitae Variant Classification Sherloc (09022015). Collection method: clinical testing. Allele origin: germline.
Comment: For these reasons, this variant has been classified as Pathogenic. Donor and acceptor splice site variants typically lead to a loss of protein function (PMID: 16199547), and loss-of-function variants in LAMP2 are known to be pathogenic (PMID: 21415759). Algorithms developed to predict the effect of sequence changes on RNA splicing suggest that this variant may disrupt the consensus splice site, but this prediction has not been confirmed by published transcriptional studies. Disruption of this splice site has been observed in several individuals affected with Danon disease (PMID: 25826782, 15673802, 21070164). This variant is not present in population databases (ExAC no frequency). This sequence change affects a donor splice site in intron 1 of the LAMP2 gene. It is expected to disrupt RNA splicing and likely results in an absent or disrupted protein product.

Literature cited by the submitters: PubMed 16199547; PubMed 21415759; PubMed 25826782; PubMed 15673802; PubMed 21070164.